The following is an entry in ClinVar:

ClinVar aggregate classification (germline): Uncertain significance (1 of 4 stars; one submission).

Conditions:
Malignant hyperthermia, susceptibility to, 1 (MHS1). Also called: Anesthesia related hyperthermia; Malignant hyperpyrexia; Fulminating hyperpyrexia; Pharmacogenic myopathy; RYR1-Related Malignant Hyperthermia Susceptibility; Malignant hyperthermia suceptibility 1. Identifiers: Orphanet 423, MedGen C2930980, MONDO:0007783, OMIM 145600.

Allele frequency attached by ClinVar (database versions not stated): gnomAD exomes below 0.00001; TOPMed below 0.00001.
gnomAD v4.1: 2 of 1,613,926 alleles (0.00012%); highest among the groups gnomAD compares: Non-Finnish European, 0.00017%; no homozygotes.

Submission:

All of Us Research Program, National Institutes of Health
Classification: Uncertain significance for Malignant hyperthermia, susceptibility to, 1. Last evaluated: 2024-01-03. Review status: criteria provided, single submitter. Criteria: ACMG Guidelines, 2015. Collection method: clinical testing. Allele origin: germline. Inheritance: Autosomal dominant inheritance. Observed: 1 variant allele, 1 heterozygote.
Comment: This missense variant replaces glycine with arginine at codon 3482 of the RYR1 protein. Computational prediction suggests that this variant may not impact protein structure and function (internally defined REVEL score threshold <= 0.5, PMID: 27666373). To our knowledge, functional studies have not been reported for this variant. This variant has not been reported in individuals affected with RYR1-related disorders in the literature. This variant has not been identified in the general population by the Genome Aggregation Database (gnomAD). The available evidence is insufficient to determine the role of this variant in disease conclusively. Therefore, this variant is classified as a Variant of Uncertain Significance.

This study involves interpretation of variants in research participants for the purpose of population health screening. Participant phenotype was not available at the time of variant classification. Additional details can be found in publication PMID: 35346344, PMCID: PMC8962531

NM_000540.3(RYR1):c.10444G>C (p.Gly3482Arg)

Gene: RYR1 (ryanodine receptor 1; plus strand). Cytogenetic location: 19q13.2.
Variant type: single nucleotide variant.
Coding change: c.10444G>C on transcript NM_000540.3 (MANE Select); coding-DNA position 10444, G replaced by C.
Protein change: p.Gly3482Arg; replaces glycine 3482 with arginine.
Molecular consequence: missense variant. On other transcripts: intron variant (1).
Genome position (GRCh38, 1-based): chr19:38,523,918, G>C. VCF-style: chr19-38523918-G-C. GRCh37 (hg19) VCF-style: chr19-39014558-G-C.
Other names: c.10440+609G>C (NM_001042723.2); short protein forms G3482R.
Identifiers: ClinVar variation 3075252 (VCV003075252.1), dbSNP rs1971340043, ClinGen allele CA405700078.